The following is an entry in ClinVar:

NM_015346.4(ZFYVE26):c.2485dup (p.Met829fs)

Gene: ZFYVE26 (zinc finger FYVE-type containing 26; minus strand). Cytogenetic location: 14q24.1.
Variant type: Duplication.
Coding change: c.2485dup on transcript NM_015346.4 (MANE Select); coding-DNA position 2485, one base duplicated (A; older notation c.2485dupA).
Protein change: p.Met829fs; shifts the reading frame from methionine 829.
Molecular consequence: frameshift variant.
Genome position (GRCh38, 1-based): chr14:67,793,676, T duplicated on the plus strand (A on the coding strand, the reverse complement: ZFYVE26 is on the minus strand). VCF-style (leftmost placement, unchanged base first): chr14-67793675-A-AT. GRCh37 (hg19) VCF-style: chr14-68260392-A-AT.
Other names: short protein forms M829fs.
Identifiers: ClinVar variation 5013568 (VCV005013568.1).
Genomic context (GRCh38, chr14:67,793,675, plus strand): 5'-GCTTCTGCGAAGTTCCCGCGAAGGATGCAGGATGCCAGCAGTGACTCAGGTGGGGAGAAC[A>AT]TCATGGGGATGAGTGAACTTTGAGGATGGGGGTGCAATCTACTGTGCAGCTCATTCCGGC-3'

ClinVar aggregate classification (germline): Pathogenic (1 of 4 stars; one submission).

Conditions:
Hereditary spastic paraplegia 15 (SPG15). Also called: SPASTIC PARAPLEGIA 15, AUTOSOMAL RECESSIVE; KJELLIN SYNDROME; SPASTIC PARAPLEGIA AND RETINAL DEGENERATION. Identifiers: Orphanet 100996, MedGen C1849128, MONDO:0010044, OMIM 270700.

Submission:

Myriad Genetics, Inc.
Classification: Pathogenic for Hereditary spastic paraplegia 15. Last evaluated: 2024-09-19. Review status: criteria provided, single submitter. Criteria: Myriad Autosomal Dominant, Autosomal Recessive and X-Linked Classification Criteria (2023). Collection method: clinical testing. Allele origin: unknown.
Comment: NM_015346.3(ZFYVE26):c.2485dupA(M829Nfs*6) is expected to be pathogenic in the context of spastic paraplegia type 15. This variant is predicted to lead to an abnormal or absent protein product due to the creation of a premature termination codon in ZFYVE26, a gene where loss-of-function variants are known to be pathogenic. Please note: this variant was assessed in the context of healthy population screening.